The following is an entry in ClinVar:

NM_024596.5(MCPH1):c.23-829_28del

Gene: MCPH1 (microcephalin 1; plus strand). Cytogenetic location: 8p23.1.
Variant type: Deletion.
Coding change: c.23-829_28del on transcript NM_024596.5 (MANE Select); 829 bases into the intron before coding-DNA position 23 through coding-DNA position 28, 835 bases deleted.
Molecular consequence: splice acceptor variant.
Genome position (GRCh38, 1-based): chr8:6,408,450-6,409,284, 835 bases deleted. GRCh37 (hg19): chr8:6,265,971-6,266,805.
Other names: c.23-829_28del (NM_001322042.2, NM_001363980.2, NM_001363979.1 and 4 more transcripts); c.23-835_23-1del (NM_001322043.2); c.-80-829_-75del (NM_001322045.2).
Identifiers: ClinVar variation 2829540 (VCV002829540.3), dbSNP rs2486062211, ClinGen allele CA2739279860.

ClinVar aggregate classification (germline): Likely pathogenic (1 of 4 stars; one submission).

Submission:

Labcorp Genetics (formerly Invitae), Labcorp
Classification: Likely pathogenic. Last evaluated: 2023-01-17. Review status: criteria provided, single submitter. Criteria: Invitae Variant Classification Sherloc (09022015). Collection method: clinical testing. Allele origin: germline.
Comment: This variant results in the deletion of part of exon 2 (c.23-829_28del) of the MCPH1 gene. It is expected to disrupt RNA splicing. Variants that disrupt the donor or acceptor splice site typically lead to a loss of protein function (PMID: 16199547), and loss-of-function variants in MCPH1 are known to be pathogenic (PMID: 20978018). In summary, the currently available evidence indicates that the variant is pathogenic, but additional data are needed to prove that conclusively. Therefore, this variant has been classified as Likely Pathogenic. This variant has not been reported in the literature in individuals affected with MCPH1-related conditions. This variant is not present in population databases (gnomAD no frequency).

Literature cited by the submitters: PubMed 16199547; PubMed 20978018.